The following is an entry in ClinVar:

ClinVar aggregate classification (germline): Pathogenic (1 of 4 stars; one submission).

Conditions:
Hereditary cancer-predisposing syndrome. Also called: Neoplastic Syndromes, Hereditary; Tumor predisposition; Hereditary Cancer Syndrome; Hereditary neoplastic syndrome. Identifiers: Orphanet 140162, MedGen C0027672, MeSH D009386, MONDO:0015356.

Submission:

Ambry Genetics
Classification: Pathogenic for Hereditary cancer-predisposing syndrome. Last evaluated: 2026-03-30. Review status: criteria provided, single submitter. Criteria: Ambry Variant Classification Scheme 2023. Collection method: clinical testing. Allele origin: germline.
Comment: The c.442delT pathogenic mutation, located in coding exon 3 of the TMEM127 gene, results from a deletion of one nucleotide at nucleotide position 442, causing a translational frameshift with a predicted alternate stop codon (p.Y148Ifs*159). This variant occurs at the 3' terminus of the gene, is not expected to trigger nonsense-mediated mRNA decay and results in the elongation of the protein by 67 amino acids. This frameshift impacts the last 38% of the native protein. Frameshifts are typically deleterious in nature, the impacted region is critical for protein function, and a significant portion of the protein is affected (Ambry internal data). This variant is considered to be rare based on population cohorts in the Genome Aggregation Database (gnomAD). Based on the supporting evidence, this variant is interpreted as a disease-causing mutation.

NM_017849.4(TMEM127):c.442del (p.Tyr148fs)

Gene: TMEM127 (transmembrane protein 127; minus strand). Cytogenetic location: 2q11.2.
Variant type: Deletion.
Coding change: c.442del on transcript NM_017849.4 (MANE Select); coding-DNA position 442, one base deleted (T; older notation c.442delT).
Protein change: p.Tyr148fs; shifts the reading frame from tyrosine 148.
Molecular consequence: frameshift variant.
Genome position (GRCh38, 1-based): chr2:96,254,083, A deleted on the plus strand (T on the coding strand, the reverse complement: TMEM127 is on the minus strand); the first of 2 consecutive A bases (chr2:96,254,083-96,254,084); deleting either gives the same sequence. VCF-style (leftmost placement, unchanged base first): chr2-96254082-TA-T. GRCh37 (hg19) VCF-style: chr2-96919820-TA-T.
Other names: c.442delT (NM_017849.3); c.442del, p.Tyr148fs (NM_001193304.3); c.190del, p.Tyr64fs (NM_001407282.1, NM_001407283.1); short protein forms Y148fs, Y64fs.
Identifiers: ClinVar variation 4865721 (VCV004865721.1).